The following is an entry in ClinVar:

ClinVar aggregate classification (germline): Pathogenic/Likely pathogenic. Review status: criteria provided, multiple submitters, no conflicts (2 of 4 stars). 2 submissions from 2 submitters: Pathogenic (1); Likely pathogenic (1). Last evaluated 2024-06-15.

Conditions:
RP1-related disorder. Also called: RP1-related condition.

Submissions (2):

Labcorp Genetics (formerly Invitae), Labcorp
Classification: Pathogenic. Last evaluated: 2024-06-15. Review status: criteria provided, single submitter. Criteria: Invitae Variant Classification Sherloc (09022015). Collection method: clinical testing. Allele origin: germline.
Comment: This sequence change creates a premature translational stop signal (p.Ser943Lysfs*6) in the RP1 gene. While this is not anticipated to result in nonsense mediated decay, it is expected to disrupt the last 1214 amino acid(s) of the RP1 protein. This variant is not present in population databases (gnomAD no frequency). This premature translational stop signal has been observed in individual(s) with autosomal recessive retinitis pigmentosa (PMID: 25472526). This variant disrupts the C-terminus of the RP1 protein. Many variants that disrupt this region have been reported in individuals with either autosomal dominant or autosomal recessive retinitis pigmentosa (PMID: 11527933, 19933189, 29425069, 30027431, 33681214). Therefore, variants that disrupt this region are expected to be disease-causing. For these reasons, this variant has been classified as Pathogenic.

Blueprint Genetics
Classification: Likely pathogenic for RP1-related disorders. Last evaluated: 2019-09-05. Review status: criteria provided, single submitter. Criteria: ACMG Guidelines, 2015. Collection method: clinical testing. Allele origin: germline. Affected: yes. Observed: 1 variant allele.

Literature cited by the submitters: PubMed 25472526 (cited by Labcorp Genetics (formerly Invitae), Labcorp); PubMed 11527933 (cited by Labcorp Genetics (formerly Invitae), Labcorp); PubMed 19933189 (cited by Labcorp Genetics (formerly Invitae), Labcorp); PubMed 29425069 (cited by Labcorp Genetics (formerly Invitae), Labcorp); PubMed 30027431 (cited by Labcorp Genetics (formerly Invitae), Labcorp); PubMed 33681214 (cited by Labcorp Genetics (formerly Invitae), Labcorp).

NM_006269.2(RP1):c.2827dup (p.Ser943fs)

Gene: RP1 (RP1 axonemal microtubule associated; plus strand). Cytogenetic location: 8q12.1.
Variant type: Duplication.
Coding change: c.2827dup on transcript NM_006269.2 (MANE Select); coding-DNA position 2827, one base duplicated (A; older notation c.2827dupA).
Protein change: p.Ser943fs; shifts the reading frame from serine 943.
Molecular consequence: frameshift variant. On other transcripts: intron variant (1).
Genome position (GRCh38, 1-based): chr8:54,626,709, A duplicated. VCF-style (leftmost placement, unchanged base first): chr8-54626708-G-GA. GRCh37 (hg19) VCF-style: chr8-55539268-G-GA.
Other names: c.787+4421dup (NM_001375654.1); short protein forms S943fs.
Identifiers: ClinVar variation 3720825 (VCV003720825.3).